The following is an entry in ClinVar:

ClinVar aggregate classification (germline): Conflicting classifications of pathogenicity. Review status: criteria provided, conflicting classifications (1 of 4 stars). 3 submissions from 3 submitters: Uncertain significance (2); Likely benign (1). Last evaluated 2025-11-19.

Conditions:
Hereditary cancer-predisposing syndrome. Also called: Hereditary neoplastic syndrome; Neoplastic Syndromes, Hereditary; Hereditary Cancer Syndrome; Tumor predisposition. Identifiers: Orphanet 140162, MedGen C0027672, MeSH D009386, MONDO:0015356.
Ataxia-telangiectasia syndrome (AT). Also called: AT, COMPLEMENTATION GROUP C; Cerebello-oculocutaneous telangiectasia; Immunodeficiency with ataxia telangiectasia; Ataxia-telangiectasia, complementation group D; ATAXIA-TELANGIECTASIA, FRESNO VARIANT; Ataxia-telangiectasia, complementation group E. Identifiers: Orphanet 100, MedGen C0004135, MONDO:0008840, OMIM 208900.

Allele frequency attached by ClinVar (database versions not stated): gnomAD exomes below 0.00001.
gnomAD v4.1: 2 of 1,613,442 alleles (0.00012%); highest among the groups gnomAD compares: South Asian, 0.0011%; no homozygotes.

Submissions (3):

Labcorp Genetics (formerly Invitae), Labcorp
Classification: Uncertain significance for Ataxia-telangiectasia syndrome. Last evaluated: 2025-11-19. Review status: criteria provided, single submitter. Criteria: Invitae Variant Classification Sherloc (09022015). Collection method: clinical testing. Allele origin: germline.
Comment: This sequence change replaces glutamine, which is neutral and polar, with arginine, which is basic and polar, at codon 637 of the ATM protein (p.Gln637Arg). This variant is not present in population databases (gnomAD no frequency). This variant has not been reported in the literature in individuals affected with ATM-related conditions. ClinVar contains an entry for this variant (Variation ID: 570211). Invitae Evidence Modeling of protein sequence and biophysical properties (such as structural, functional, and spatial information, amino acid conservation, physicochemical variation, residue mobility, and thermodynamic stability) indicates that this missense variant is not expected to disrupt ATM protein function with a negative predictive value of 95%. In summary, the available evidence is currently insufficient to determine the role of this variant in disease. Therefore, it has been classified as a Variant of Uncertain Significance.

Color Diagnostics, LLC DBA Color Health
Classification: Uncertain significance for Hereditary cancer-predisposing syndrome. Last evaluated: 2024-03-06. Review status: criteria provided, single submitter. Criteria: ACMG Guidelines, 2015. Collection method: clinical testing. Allele origin: germline.
Comment: This missense variant replaces glutamine with arginine at codon 637 of the ATM protein. Computational prediction suggests that this variant may not impact protein structure and function (internally defined REVEL score threshold <= 0.5, PMID: 27666373). To our knowledge, functional studies have not been reported for this variant. This variant has not been reported in individuals affected with hereditary cancer in the literature. This variant has not been identified in the general population by the Genome Aggregation Database (gnomAD). The available evidence is insufficient to determine the role of this variant in disease conclusively. Therefore, this variant is classified as a Variant of Uncertain Significance.

Ambry Genetics
Classification: Likely benign for Hereditary cancer-predisposing syndrome. Last evaluated: 2020-08-13. Review status: criteria provided, single submitter. Criteria: Ambry Variant Classification Scheme 2023. Collection method: clinical testing. Allele origin: germline.

NM_000051.4(ATM):c.1910A>G (p.Gln637Arg)

Gene: ATM (ATM serine/threonine kinase; plus strand). Cytogenetic location: 11q22.3.
Variant type: single nucleotide variant.
Coding change: c.1910A>G on transcript NM_000051.4 (MANE Select); coding-DNA position 1910, A replaced by G.
Protein change: p.Gln637Arg; replaces glutamine 637 with arginine.
Molecular consequence: missense variant.
Genome position (GRCh38, 1-based): chr11:108,253,825, A>G. VCF-style: chr11-108253825-A-G. GRCh37 (hg19) VCF-style: chr11-108124552-A-G.
Other names: c.1910A>G, p.Gln637Arg (NM_001351834.2); short protein forms Q637R.
Identifiers: ClinVar variation 570211 (VCV000570211.16), dbSNP rs1565389611, ClinGen allele CA382536347.